The following is an entry in ClinVar:

NM_000701.8(ATP1A1):c.181C>T (p.Arg61Trp)

Gene: ATP1A1 (ATPase Na+/K+ transporting subunit alpha 1; plus strand). Cytogenetic location: 1p13.1.
Variant type: single nucleotide variant.
Coding change: c.181C>T on transcript NM_000701.8 (MANE Select); coding-DNA position 181, C replaced by T.
Protein change: p.Arg61Trp; replaces arginine 61 with tryptophan.
Molecular consequence: missense variant.
Genome position (GRCh38, 1-based): chr1:116,384,840, C>T. VCF-style: chr1-116384840-C-T. GRCh37 (hg19) VCF-style: chr1-116927462-C-T.
Other names: c.181C>T, p.Arg61Trp (NM_001160233.2); c.88C>T, p.Arg30Trp (NM_001160234.2); short protein forms R30W, R61W.
Identifiers: ClinVar variation 2880713 (VCV002880713.3), dbSNP rs1651975517, ClinGen allele CA341840567.

ClinVar aggregate classification (germline): Uncertain significance (1 of 4 stars; one submission).

Allele frequency attached by ClinVar (database versions not stated): gnomAD exomes below 0.00001.

Submission:

Labcorp Genetics (formerly Invitae), Labcorp
Classification: Uncertain significance. Last evaluated: 2023-10-12. Review status: criteria provided, single submitter. Criteria: Invitae Variant Classification Sherloc (09022015). Collection method: clinical testing. Allele origin: germline.
Comment: This sequence change replaces arginine, which is basic and polar, with tryptophan, which is neutral and slightly polar, at codon 61 of the ATP1A1 protein (p.Arg61Trp). This variant is not present in population databases (gnomAD no frequency). This variant has not been reported in the literature in individuals affected with ATP1A1-related conditions. An algorithm developed to predict the effect of missense changes on protein structure and function (PolyPhen-2) suggests that this variant is likely to be disruptive. In summary, the available evidence is currently insufficient to determine the role of this variant in disease. Therefore, it has been classified as a Variant of Uncertain Significance.